The following is an entry in ClinVar:

ClinVar aggregate classification (germline): Uncertain significance (1 of 4 stars; one submission).

Conditions:
Hereditary cancer-predisposing syndrome. Also called: Tumor predisposition; Hereditary Cancer Syndrome; Hereditary neoplastic syndrome; Neoplastic Syndromes, Hereditary. Identifiers: Orphanet 140162, MedGen C0027672, MeSH D009386, MONDO:0015356.

Submission:

Ambry Genetics
Classification: Uncertain significance for Hereditary cancer-predisposing syndrome. Last evaluated: 2023-08-14. Review status: criteria provided, single submitter. Criteria: Ambry Variant Classification Scheme 2023. Collection method: clinical testing. Allele origin: germline.
Comment: The p.D136N variant (also known as c.406G>A), located in coding exon 1 of the MEN1 gene, results from a G to A substitution at nucleotide position 406. The aspartic acid at codon 136 is replaced by asparagine, an amino acid with highly similar properties. This amino acid position is conserved. In addition, the in silico prediction for this alteration is inconclusive. Since supporting evidence is limited at this time, the clinical significance of this alteration remains unclear.

NM_001370259.2(MEN1):c.406G>A (p.Asp136Asn)

Gene: MEN1 (menin 1; minus strand). Cytogenetic location: 11q13.1.
Variant type: single nucleotide variant.
Coding change: c.406G>A on transcript NM_001370259.2 (MANE Select); coding-DNA position 406, G replaced by A.
Protein change: p.Asp136Asn; replaces aspartic acid 136 with asparagine.
Molecular consequence: missense variant. On other transcripts: non-coding transcript variant (4).
Genome position (GRCh38, 1-based): chr11:64,809,704, C>T on the plus strand (G>A on the coding strand, the complement: MEN1 is on the minus strand). VCF-style: chr11-64809704-C-T. GRCh37 (hg19) VCF-style: chr11-64577176-C-T.
Other names: c.406G>A, p.Asp136Asn (NM_000244.4, NM_001370251.2, NM_001370260.2 and 20 more transcripts); short protein forms D136N.
Identifiers: ClinVar variation 2626598 (VCV002626598.2), dbSNP rs1941979334, ClinGen allele CA381186840.